The following is an entry in ClinVar:

NM_005263.5(GFI1):c.352C>A (p.Pro118Thr)

Gene: GFI1 (growth factor independent 1 transcriptional repressor; minus strand). Cytogenetic location: 1p22.1.
Variant type: single nucleotide variant.
Coding change: c.352C>A on transcript NM_005263.5 (MANE Select); coding-DNA position 352, C replaced by A.
Protein change: p.Pro118Thr; replaces proline 118 with threonine.
Molecular consequence: missense variant.
Genome position (GRCh38, 1-based): chr1:92,481,035, G>T on the plus strand (C>A on the coding strand, the complement: GFI1 is on the minus strand). VCF-style: chr1-92481035-G-T. GRCh37 (hg19) VCF-style: chr1-92946592-G-T.
Other names: c.352C>A, p.Pro118Thr (NM_001127215.3, NM_001127216.3); short protein forms P118T.
Identifiers: ClinVar variation 3853673 (VCV003853673.1).

ClinVar aggregate classification (germline): Uncertain significance (1 of 4 stars; one submission).

Submission:

Ambry Genetics
Classification: Uncertain significance. Last evaluated: 2024-12-29. Review status: criteria provided, single submitter. Criteria: Ambry Variant Classification Scheme 2023. Collection method: clinical testing. Allele origin: germline.
Comment: The p.P118T variant (also known as c.352C>A), located in coding exon 3 of the GFI1 gene, results from a C to A substitution at nucleotide position 352. The proline at codon 118 is replaced by threonine, an amino acid with highly similar properties. This amino acid position is conserved. In addition, this alteration is predicted to be tolerated by in silico analysis. Based on the available evidence, the clinical significance of this variant remains unclear.